The following is an entry in ClinVar:

NM_004006.3(DMD):c.3520A>G (p.Thr1174Ala)

Gene: DMD (dystrophin; minus strand). Cytogenetic location: Xp21.1.
Variant type: single nucleotide variant.
Coding change: c.3520A>G on transcript NM_004006.3 (MANE Select); coding-DNA position 3520, A replaced by G.
Protein change: p.Thr1174Ala; replaces threonine 1174 with alanine.
Molecular consequence: missense variant.
Genome position (GRCh38, 1-based): chrX:32,454,745, T>C on the plus strand (A>G on the coding strand, the complement: DMD is on the minus strand). VCF-style: chrX-32454745-T-C. GRCh37 (hg19) VCF-style: chrX-32472862-T-C.
Other names: c.3496A>G, p.Thr1166Ala (NM_000109.4); c.3508A>G, p.Thr1170Ala (NM_004009.3); c.3151A>G, p.Thr1051Ala (NM_004010.3); short protein forms T1174A, T1051A, T1170A, T1166A.
Identifiers: ClinVar variation 4759629 (VCV004759629.1).

ClinVar aggregate classification (germline): Uncertain significance (1 of 4 stars; one submission).

Conditions:
Duchenne muscular dystrophy (DMD). Also called: MUSCULAR DYSTROPHY, PSEUDOHYPERTROPHIC PROGRESSIVE, DUCHENNE TYPE; Duchenne Muscular Dystrophy (DMD). Identifiers: Orphanet 98896, MedGen C0013264, MONDO:0010679, OMIM 310200.

Submission:

Labcorp Genetics (formerly Invitae), Labcorp
Classification: Uncertain significance for Duchenne muscular dystrophy. Last evaluated: 2025-09-10. Review status: criteria provided, single submitter. Criteria: Invitae Variant Classification Sherloc (09022015). Collection method: clinical testing. Allele origin: germline.
Comment: This sequence change replaces threonine, which is neutral and polar, with alanine, which is neutral and non-polar, at codon 1174 of the DMD protein (p.Thr1174Ala). This variant is not present in population databases (gnomAD no frequency). This variant has not been reported in the literature in individuals affected with DMD-related conditions. Invitae Evidence Modeling of protein sequence and biophysical properties (such as structural, functional, and spatial information, amino acid conservation, physicochemical variation, residue mobility, and thermodynamic stability) indicates that this missense variant is not expected to disrupt DMD protein function with a negative predictive value of 95%. In summary, the available evidence is currently insufficient to determine the role of this variant in disease. Therefore, it has been classified as a Variant of Uncertain Significance.